The following is an entry in ClinVar:

ClinVar aggregate classification (germline): Conflicting classifications of pathogenicity. Review status: criteria provided, conflicting classifications (1 of 4 stars). 4 submissions from 4 submitters: Likely pathogenic (1); Uncertain significance (2). 1 of the submissions does not count toward it. Last evaluated 2026-02-18.

Allele frequency attached by ClinVar (database versions not stated): gnomAD 0.00053 and 0.00051; TOPMed 0.00099; 1000 Genomes Project 30x 0.00047; ESP Exome Variant Server 0.00048; gnomAD exomes 0.00049 and 0.00065; ExAC 0.00051; 1000 Genomes Project 0.00040.
gnomAD v4.1: 1,021 of 1,613,948 alleles (0.063%); highest among the groups gnomAD compares: Admixed American, 0.13%; 1 homozygote.

Submissions (4):

Dasa
Classification: Uncertain significance. Last evaluated: 2026-02-18. Review status: criteria provided, single submitter. Criteria: DASA Assertion Criteria. Collection method: clinical testing. Allele origin: germline.
Comment: NM_007098.4(CLTCL1):c.988G>A (p.Glu330Lys) is a missense variant that results in the substitution of glutamic acid with lysine. This variant has been recurrently observed in individuals with CLTCL1-related disorders (PMID: 26068709; PMID: 22511880; PMID: 29402896). Also, this variant is rare in population databases. Computational prediction algorithms are consistent with a benign effect. The currently available literature and clinical evidence are not sufficient to establish a definitive association between this variant and the reported condition. Therefore, this variant is classified as a variant of uncertain significance.

Mayo Clinic Laboratories, Mayo Clinic
Classification: Uncertain significance. Last evaluated: 2025-05-15. Review status: criteria provided, single submitter. Criteria: ACMG Guidelines, 2015. Collection method: clinical testing. Allele origin: germline. Observed: 2 variant alleles.
Comment: PP1_moderate, PM3_supporting, PS3

GeneDx
Classification: Likely pathogenic. Last evaluated: 2016-09-29. Review status: criteria provided, single submitter. Criteria: GeneDx Variant Classification (06012015). Collection method: clinical testing. Allele origin: germline. Affected: yes.
Comment: The E330K variant in the CLTCL1 gene has been reported previously, in the homozygous state, in three siblingswith significant intellectual disability, global developmental delay, absent pain sensation, self mutilating behavior,ophthalmological abnormalities, hypotonia, bone abnormalities, dysmorphic features, and brain abnormalities onMRI, with childhood death in two of the three siblings (Nahorski et al., 2015). The variant has also been reported inthe presence of another CLTCL1 variant in one individual with autism (Chahrour et al., 2012). The E330K variantwas not observed with any significant frequency in approximately 6200 individuals of European and African Americanancestry in the NHLBI Exome Sequencing Project, indicating it is not a common benign variant in thesepopulations. The E330K variant is a non-conservative amino acid substitution, which is likely to impact secondaryprotein structure as these residues differ in polarity, charge, size and/or other properties. This substitution occurs at aposition that is conserved across species and in silico analysis predicts this variant is probably damaging to theprotein structure/function. Therefore, we interpret E330K as a likely pathogenic variant, however, the possibility itmay be a rare benign variant cannot be excluded.

OMIM
Classification: Uncertain significance for VARIANT OF UNKNOWN SIGNIFICANCE. Last evaluated: 2015-10-29. Review status: no assertion criteria provided. Collection method: literature only. Allele origin: germline. Not counted in ClinVar's aggregate classification.

Literature cited by the submitters: PubMed 26068709 (cited by 3 submitters); PubMed 22511880 (cited by Dasa and Mayo Clinic Laboratories, Mayo Clinic); PubMed 29402896 (cited by Dasa and Mayo Clinic Laboratories, Mayo Clinic).

NM_007098.4(CLTCL1):c.988G>A (p.Glu330Lys)

Gene: CLTCL1 (clathrin heavy chain like 1; minus strand). Cytogenetic location: 22q11.21.
Variant type: single nucleotide variant.
Coding change: c.988G>A on transcript NM_007098.4 (MANE Select); coding-DNA position 988, G replaced by A.
Protein change: p.Glu330Lys; replaces glutamic acid 330 with lysine.
Molecular consequence: missense variant.
Genome position (GRCh38, 1-based): chr22:19,234,688, C>T on the plus strand (G>A on the coding strand, the complement: CLTCL1 is on the minus strand). VCF-style: chr22-19234688-C-T. GRCh37 (hg19) VCF-style: chr22-19222211-C-T.
Other names: p.Glu330Lys; c.988G>A, p.Glu330Lys (NM_001835.4); short protein forms E330K.
Identifiers: ClinVar variation 372327 (VCV000372327.4), dbSNP rs199652160, ClinGen allele CA10098823.